The following is an entry in ClinVar:

NM_013275.6(ANKRD11):c.3710del (p.Lys1237fs)

Gene: ANKRD11 (ankyrin repeat domain 11; minus strand). Cytogenetic location: 16q24.3.
Variant type: Deletion.
Coding change: c.3710del on transcript NM_013275.6 (MANE Select); coding-DNA position 3710, one base deleted (A; older notation c.3710delA).
Protein change: p.Lys1237fs; shifts the reading frame from lysine 1237.
Molecular consequence: frameshift variant.
Genome position (GRCh38, 1-based): chr16:89,282,832, T deleted on the plus strand (A on the coding strand, the reverse complement: ANKRD11 is on the minus strand); the first of 2 consecutive T bases (chr16:89,282,832-89,282,833); deleting either gives the same sequence. VCF-style (leftmost placement, unchanged base first): chr16-89282831-CT-C. GRCh37 (hg19) VCF-style: chr16-89349239-CT-C.
Other names: c.3710del, p.Lys1237fs (NM_001256182.2, NM_001256183.2); short protein forms K1237fs.
Identifiers: ClinVar variation 5019672 (VCV005019672.1).

ClinVar aggregate classification (germline): Likely pathogenic (1 of 4 stars; one submission).

Conditions:
KBG syndrome (KBGS). Also called: ANKRD11-Related KBG Syndrome. Identifiers: Orphanet 2332, MedGen C0220687, MONDO:0007846, OMIM 148050.

Submission:

Juno Genomics, Hangzhou Juno Genomics, Inc
Classification: Likely pathogenic for KBG syndrome. Review status: criteria provided, single submitter. Criteria: ACMG Guidelines, 2015. Collection method: clinical testing. Allele origin: germline. Affected: yes.
Comment: Absent from controls (or at extremely low frequency if recessive) in Genome Aggregation Database.;Null variant in a gene where loss of function (LOF) is a known mechanism of disease.